The following is an entry in ClinVar:

ClinVar aggregate classification (germline): Uncertain significance (1 of 4 stars; one submission).

Conditions:
Hereditary cancer-predisposing syndrome. Also called: Tumor predisposition; Hereditary neoplastic syndrome; Hereditary Cancer Syndrome; Neoplastic Syndromes, Hereditary. Identifiers: Orphanet 140162, MedGen C0027672, MeSH D009386, MONDO:0015356.

Submission:

Ambry Genetics
Classification: Uncertain significance for Hereditary cancer-predisposing syndrome. Last evaluated: 2023-12-07. Review status: criteria provided, single submitter. Criteria: Ambry Variant Classification Scheme 2023. Collection method: clinical testing. Allele origin: germline.
Comment: The p.V153A variant (also known as c.458T>C), located in coding exon 6 of the SDHC gene, results from a T to C substitution at nucleotide position 458. The valine at codon 153 is replaced by alanine, an amino acid with similar properties. This amino acid position is conserved. In addition, the in silico prediction for this alteration is inconclusive. Since supporting evidence is limited at this time, the clinical significance of this alteration remains unclear.

NM_003001.5(SDHC):c.458T>C (p.Val153Ala)

Gene: SDHC (succinate dehydrogenase complex subunit C; plus strand). Cytogenetic location: 1q23.3.
Variant type: single nucleotide variant.
Coding change: c.458T>C on transcript NM_003001.5 (MANE Select); coding-DNA position 458, T replaced by C.
Protein change: p.Val153Ala; replaces valine 153 with alanine.
Molecular consequence: missense variant. On other transcripts: synonymous variant (3), non-coding transcript variant (1).
Genome position (GRCh38, 1-based): chr1:161,362,381, T>C. VCF-style: chr1-161362381-T-C. GRCh37 (hg19) VCF-style: chr1-161332171-T-C.
Other names: c.294T>C, p.Ser98= (NM_001035511.3); c.356T>C, p.Val119Ala (NM_001035512.3); c.299T>C, p.Val100Ala (NM_001035513.3); c.192T>C, p.Ser64= (NM_001278172.3); c.578T>C, p.Val193Ala (NM_001407115.1); c.401T>C, p.Val134Ala (NM_001407116.1); c.395T>C, p.Val132Ala (NM_001407117.1); c.350T>C, p.Val117Ala (NM_001407118.1); and 2 more; short protein forms V100A, V116A, V117A, V119A, V132A, V134A, V153A, V193A.
Identifiers: ClinVar variation 3223032 (VCV003223032.1), dbSNP rs2102385516, ClinGen allele CA343457792.